The following is an entry in ClinVar:

ClinVar aggregate classification (germline): Uncertain significance (1 of 4 stars; one submission).

gnomAD v4.1: 1 of 1,484,984 alleles (0.000067%); highest among the groups gnomAD compares: Non-Finnish European, 0.000089%; no homozygotes.

Submission:

CeGaT Center for Human Genetics Tuebingen
Classification: Uncertain significance. Last evaluated: 2025-11-01. Review status: criteria provided, single submitter. Criteria: CeGaT Center For Human Genetics Tuebingen Variant Classification Criteria Version 2. Collection method: clinical testing. Allele origin: germline. Affected: yes. Observed: 1 variant allele.
Comment: TUBA4A: PM2, PVS1:Moderate

NM_006000.3(TUBA4A):c.2T>A (p.Met1Lys)

Genes: TUBA4A (tubulin alpha 4a; minus strand), TUBA4B (tubulin alpha 4b; plus strand). Cytogenetic location: 2q35.
Variant type: single nucleotide variant.
Coding change: c.2T>A on transcript NM_006000.3 (MANE Select); coding-DNA position 2, T replaced by A.
Protein change: p.Met1Lys; changes the start codon (methionine 1).
Molecular consequence: missense variant, initiator codon variant. On other transcripts: intron variant (2).
Genome position (GRCh38, 1-based): chr2:219,253,857, A>T on the plus strand (T>A on the coding strand, the complement: TUBA4A is on the minus strand). VCF-style: chr2-219253857-A-T. GRCh37 (hg19) VCF-style: chr2-220118579-A-T.
Other names: c.-43+238T>A (NM_001278552.2); c.12+438A>T (NM_001355221.1); short protein forms M1K.
Identifiers: ClinVar variation 4535154 (VCV004535154.6).